The following is an entry in ClinVar:

NM_182914.3(SYNE2):c.12326T>C (p.Met4109Thr)

Gene: SYNE2 (spectrin repeat containing nuclear envelope protein 2; plus strand). Cytogenetic location: 14q23.2.
Variant type: single nucleotide variant.
Coding change: c.12326T>C on transcript NM_182914.3 (MANE Select); coding-DNA position 12326, T replaced by C.
Protein change: p.Met4109Thr; replaces methionine 4109 with threonine.
Molecular consequence: missense variant.
Genome position (GRCh38, 1-based): chr14:64,098,766, T>C. VCF-style: chr14-64098766-T-C. GRCh37 (hg19) VCF-style: chr14-64565484-T-C.
Other names: c.12326T>C, p.Met4109Thr (NM_015180.6); short protein forms M4109T.
Identifiers: ClinVar variation 4591784 (VCV004591784.2).
Genomic context (GRCh38, chr14:64,098,766, plus strand): 5'-TGGCAAGCAGACTGCAGGTATTCTTGTGCTGTGCCTTTCAGTTGAACAGAAGAGGCTCCA[T>C]GTCTTACCTGGCAGCAGTCGAGGAAGAGGTGGAAGAAAGTTCCGTGAAGAGCGATGTAAG-3'
Protein context (NP_878918.2, residues 4099-4119): SERKLNRRGS[Met4109Thr]SYLAAVEEEV

ClinVar aggregate classification (germline): Uncertain significance. Review status: criteria provided, multiple submitters, no conflicts (2 of 4 stars). 2 submissions from 2 submitters: Uncertain significance (2). Last evaluated 2026-01-13.

Conditions:
Emery-Dreifuss muscular dystrophy 5, autosomal dominant (EDMD5). Also called: EMERY-DREIFUSS MUSCULAR DYSTROPHY 5. Identifiers: Orphanet 261, MedGen C2751805, MONDO:0013072, OMIM 612999.

gnomAD v4.1: 9 of 1,614,016 alleles (0.00056%); highest among the groups gnomAD compares: Non-Finnish European, 0.00076%; no homozygotes.

Submissions (2):

Labcorp Genetics (formerly Invitae), Labcorp
Classification: Uncertain significance for Emery-Dreifuss muscular dystrophy 5, autosomal dominant. Last evaluated: 2026-01-13. Review status: criteria provided, single submitter. Criteria: Invitae Variant Classification Sherloc (09022015). Collection method: clinical testing. Allele origin: germline.
Comment: This sequence change replaces methionine, which is neutral and non-polar, with threonine, which is neutral and polar, at codon 4109 of the SYNE2 protein (p.Met4109Thr). This variant is present in population databases (rs777255394, gnomAD 0.002%). This variant has not been reported in the literature in individuals affected with SYNE2-related conditions. An algorithm developed to predict the effect of missense changes on protein structure and function (PolyPhen-2) suggests that this variant is likely to be tolerated. In summary, the available evidence is currently insufficient to determine the role of this variant in disease. Therefore, it has been classified as a Variant of Uncertain Significance.

Ambry Genetics
Classification: Uncertain significance. Last evaluated: 2025-10-15. Review status: criteria provided, single submitter. Criteria: Ambry Variant Classification Scheme 2023. Collection method: clinical testing. Allele origin: germline.